The following is an entry in ClinVar:

NM_004304.5(ALK):c.2546A>C (p.Tyr849Ser)

Gene: ALK (ALK receptor tyrosine kinase; minus strand). Cytogenetic location: 2p23.2.
Variant type: single nucleotide variant.
Coding change: c.2546A>C on transcript NM_004304.5 (MANE Select); coding-DNA position 2546, A replaced by C.
Protein change: p.Tyr849Ser; replaces tyrosine 849 with serine.
Molecular consequence: missense variant.
Genome position (GRCh38, 1-based): chr2:29,232,390, T>G on the plus strand (A>C on the coding strand, the complement: ALK is on the minus strand). VCF-style: chr2-29232390-T-G. GRCh37 (hg19) VCF-style: chr2-29455256-T-G.
Other names: short protein forms Y849S.
Identifiers: ClinVar variation 956808 (VCV000956808.15), dbSNP rs1043717591, ClinGen allele CA44638310.
Genomic context (GRCh38, chr2:29,232,390, plus strand): 5'-CCTAGAACCGAGGAGTTATTCTCCAGTCTCTCTGGGTGGAACGTGTCTGTCTTGGCCCCG[T>G]AGGCCCTGCCACCACCTCCGGCTGCAATGATCAGGGGCACCGGCACTCCATCCTTCATCT-3'
Protein context (NP_004295.2, residues 839-859): IIAAGGGGRA[Tyr849Ser]GAKTDTFHPE

ClinVar aggregate classification (germline): Uncertain significance. Review status: criteria provided, multiple submitters, no conflicts (2 of 4 stars). 4 submissions from 4 submitters: Uncertain significance (4). Last evaluated 2025-03-12.

Conditions:
Hereditary cancer-predisposing syndrome. Also called: Hereditary neoplastic syndrome; Tumor predisposition; Neoplastic Syndromes, Hereditary; Hereditary Cancer Syndrome. Identifiers: Orphanet 140162, MedGen C0027672, MeSH D009386, MONDO:0015356.
Neuroblastoma, susceptibility to, 3. Also called: ALK-Related Neuroblastic Tumor Susceptibility. Identifiers: Orphanet 635, MedGen C2751681, MONDO:0013083, OMIM 613014.

Allele frequency attached by ClinVar (database versions not stated): gnomAD exomes below 0.00001; TOPMed 0.00002; gnomAD 0.00003 and 0.00004.
gnomAD v4.1: 6 of 1,614,128 alleles (0.00037%); highest among the groups gnomAD compares: African/African-American, 0.008%; no homozygotes.

Submissions (4):

Labcorp Genetics (formerly Invitae), Labcorp
Classification: Uncertain significance for Neuroblastoma, susceptibility to, 3. Last evaluated: 2025-03-12. Review status: criteria provided, single submitter. Criteria: Invitae Variant Classification Sherloc (09022015). Collection method: clinical testing. Allele origin: germline.
Comment: This sequence change replaces tyrosine, which is neutral and polar, with serine, which is neutral and polar, at codon 849 of the ALK protein (p.Tyr849Ser). This variant is not present in population databases (gnomAD no frequency). This variant has not been reported in the literature in individuals affected with ALK-related conditions. ClinVar contains an entry for this variant (Variation ID: 956808). An algorithm developed to predict the effect of missense changes on protein structure and function (PolyPhen-2) suggests that this variant is likely to be disruptive. In summary, the available evidence is currently insufficient to determine the role of this variant in disease. Therefore, it has been classified as a Variant of Uncertain Significance.

GeneDx
Classification: Uncertain significance. Last evaluated: 2025-03-10. Review status: criteria provided, single submitter. Criteria: GeneDx Variant Classification Process June 2021. Collection method: clinical testing. Allele origin: germline. Affected: yes.
Comment: Not observed at significant frequency in large population cohorts (gnomAD); In silico analysis supports that this missense variant has a deleterious effect on protein structure/function; Has not been previously published as pathogenic or benign to our knowledge

Ambry Genetics
Classification: Uncertain significance for Hereditary cancer-predisposing syndrome. Last evaluated: 2024-10-24. Review status: criteria provided, single submitter. Criteria: Ambry Variant Classification Scheme 2023. Collection method: clinical testing. Allele origin: germline.
Comment: The p.Y849S variant (also known as c.2546A>C), located in coding exon 15 of the ALK gene, results from an A to C substitution at nucleotide position 2546. The tyrosine at codon 849 is replaced by serine, an amino acid with dissimilar properties. This amino acid position is conserved. In addition, the in silico prediction for this alteration is inconclusive. Since supporting evidence is limited at this time, the clinical significance of this alteration remains unclear.

Baylor Genetics
Classification: Uncertain significance for Neuroblastoma, susceptibility to, 3. Last evaluated: 2024-03-25. Review status: criteria provided, single submitter. Criteria: ACMG Guidelines, 2015. Collection method: clinical testing. Allele origin: unknown.